The following is an entry in ClinVar:

ClinVar aggregate classification (germline): Conflicting classifications of pathogenicity. Review status: criteria provided, conflicting classifications (1 of 4 stars). 2 submissions from 2 submitters: Uncertain significance (1); Likely benign (1). Last evaluated 2024-08-26.

Allele frequency attached by ClinVar (database versions not stated): TOPMed 0.00003; gnomAD 0.00005; gnomAD exomes 0.00012; 1000 Genomes Project 0.00020; ExAC 0.00021; 1000 Genomes Project 30x 0.00031.
gnomAD v4.1: 186 of 1,610,374 alleles (0.012%); highest among the groups gnomAD compares: South Asian, 0.12%; 3 homozygotes.

Submissions (2):

Ambry Genetics
Classification: Uncertain significance. Last evaluated: 2024-08-26. Review status: criteria provided, single submitter. Criteria: Ambry Variant Classification Scheme 2023. Collection method: clinical testing. Allele origin: germline.

CeGaT Center for Human Genetics Tuebingen
Classification: Likely benign. Last evaluated: 2024-05-01. Review status: criteria provided, single submitter. Criteria: CeGaT Center For Human Genetics Tuebingen Variant Classification Criteria Version 2. Collection method: clinical testing. Allele origin: germline. Affected: yes. Observed: 1 variant allele.
Comment: SRPRB: BS2

NM_001379313.1(SRPRB):c.600A>C (p.Glu200Asp)

Gene: SRPRB (SRP receptor subunit beta; plus strand). Cytogenetic location: 3q22.1.
Variant type: single nucleotide variant.
Coding change: c.600A>C on transcript NM_001379313.1 (MANE Select); coding-DNA position 600, A replaced by C.
Protein change: p.Glu200Asp; replaces glutamic acid 200 with aspartic acid.
Molecular consequence: missense variant. On other transcripts: non-coding transcript variant (1).
Genome position (GRCh38, 1-based): chr3:133,816,930, A>C. VCF-style: chr3-133816930-A-C. GRCh37 (hg19) VCF-style: chr3-133535774-A-C.
Other names: c.600A>C (NM_021203.3); c.600A>C, p.Glu200Asp (NM_021203.4); short protein forms E200D.
Identifiers: ClinVar variation 3239062 (VCV003239062.20), dbSNP rs563903739.